The following is an entry in ClinVar:

ClinVar aggregate classification (germline): Uncertain significance (1 of 4 stars; one submission).

Allele frequency attached by ClinVar (database versions not stated): gnomAD exomes below 0.00001.
gnomAD v4.1: 3 of 1,610,134 alleles (0.00019%); highest among the groups gnomAD compares: Non-Finnish European, 0.00025%; no homozygotes.

Submission:

Labcorp Genetics (formerly Invitae), Labcorp
Classification: Uncertain significance. Last evaluated: 2022-10-21. Review status: criteria provided, single submitter. Criteria: Invitae Variant Classification Sherloc (09022015). Collection method: clinical testing. Allele origin: germline.
Comment: In summary, the available evidence is currently insufficient to determine the role of this variant in disease. Therefore, it has been classified as a Variant of Uncertain Significance. This sequence change replaces leucine, which is neutral and non-polar, with proline, which is neutral and non-polar, at codon 478 of the TNFRSF11A protein (p.Leu478Pro). This variant is not present in population databases (gnomAD no frequency). This variant has not been reported in the literature in individuals affected with TNFRSF11A-related conditions. Algorithms developed to predict the effect of missense changes on protein structure and function output the following: SIFT: "Deleterious"; PolyPhen-2: "Benign"; Align-GVGD: "Class C0". The proline amino acid residue is found in multiple mammalian species, which suggests that this missense change does not adversely affect protein function.

NM_003839.4(TNFRSF11A):c.1433T>C (p.Leu478Pro)

Gene: TNFRSF11A (TNF receptor superfamily member 11a; plus strand). Cytogenetic location: 18q21.33.
Variant type: single nucleotide variant.
Coding change: c.1433T>C on transcript NM_003839.4 (MANE Select); coding-DNA position 1433, T replaced by C.
Protein change: p.Leu478Pro; replaces leucine 478 with proline.
Molecular consequence: missense variant. On other transcripts: intron variant (3).
Genome position (GRCh38, 1-based): chr18:62,369,350, T>C. VCF-style: chr18-62369350-T-C. GRCh37 (hg19) VCF-style: chr18-60036583-T-C.
Other names: c.1391T>C, p.Leu464Pro (NM_001278268.2); c.783+2590T>C (NM_001270949.2); c.730+7557T>C (NM_001270950.2); c.616+9301T>C (NM_001270951.2); short protein forms L478P, L464P.
Identifiers: ClinVar variation 1959711 (VCV001959711.5), dbSNP rs1034174211, ClinGen allele CA402617970.
Genomic context (GRCh38, chr18:62,369,350, plus strand): 5'-AACCCCTCGTGGGTTCCCCAAAACGTGGACCCTTGCCCCAGTGCGCCTATGGCATGGGCC[T>C]TCCCCCTGAAGAAGAAGCCAGCAGGACGGAGGCCAGAGACCAGCCCGAGGATGGGGCTGA-3'
Protein context (NP_003830.1, residues 468-488): PLPQCAYGMG[Leu478Pro]PPEEEASRTE